The following is an entry in ClinVar:

NM_001042492.3(NF1):c.8423G>C (p.Cys2808Ser)

Gene: NF1 (neurofibromin 1; plus strand). Cytogenetic location: 17q11.2.
Variant type: single nucleotide variant.
Coding change: c.8423G>C on transcript NM_001042492.3 (MANE Select); coding-DNA position 8423, G replaced by C.
Protein change: p.Cys2808Ser; replaces cysteine 2808 with serine.
Molecular consequence: missense variant.
Genome position (GRCh38, 1-based): chr17:31,374,058, G>C. VCF-style: chr17-31374058-G-C. GRCh37 (hg19) VCF-style: chr17-29701076-G-C.
Other names: c.8360G>C, p.Cys2787Ser (NM_000267.4); short protein forms C2787S, C2808S.
Identifiers: ClinVar variation 952528 (VCV000952528.11), dbSNP rs148473245, ClinGen allele CA8487821.

ClinVar aggregate classification (germline): Conflicting classifications of pathogenicity. Review status: criteria provided, conflicting classifications (1 of 4 stars). 3 submissions from 3 submitters: Uncertain significance (1); Benign (2). Last evaluated 2025-12-24.

Conditions:
Cardiovascular phenotype. Identifiers: MedGen CN230736.
Hereditary cancer-predisposing syndrome. Also called: Hereditary neoplastic syndrome; Tumor predisposition; Neoplastic Syndromes, Hereditary; Hereditary Cancer Syndrome. Identifiers: Orphanet 140162, MedGen C0027672, MeSH D009386, MONDO:0015356.
Neurofibromatosis, type 1 (NF1). Also called: VON RECKLINGHAUSEN DISEASE; NEUROFIBROMATOSIS, TYPE I, SOMATIC; Peripheral type neurofibromatosis; Neurofibromatosis, type I. Identifiers: Orphanet 636, MedGen C0027831, MONDO:0018975, OMIM 162200. Disease mechanism: loss of function.

Allele frequency attached by ClinVar (database versions not stated): gnomAD exomes below 0.00001 and 0.00001; TOPMed below 0.00001; gnomAD 0.00001; ExAC 0.00002; ESP Exome Variant Server 0.00008.
gnomAD v4.1: 5 of 1,613,994 alleles (0.00031%); highest among the groups gnomAD compares: East Asian, 0.0022%; no homozygotes.

Submissions (3):

Labcorp Genetics (formerly Invitae), Labcorp
Classification: Benign for Neurofibromatosis, type 1. Last evaluated: 2025-12-24. Review status: criteria provided, single submitter. Criteria: Invitae Variant Classification Sherloc (09022015). Collection method: clinical testing. Allele origin: germline.

Women's Health and Genetics/Laboratory Corporation of America, LabCorp
Classification: Uncertain significance. Last evaluated: 2025-02-13. Review status: criteria provided, single submitter. Criteria: LabCorp Variant Classification Summary - May 2015. Collection method: clinical testing. Allele origin: germline.
Comment: Variant summary: NF1 c.8360G>C (p.Cys2787Ser) results in a non-conservative amino acid change in the encoded protein sequence. Three of five in-silico tools predict a benign effect of the variant on protein function. The variant allele was found at a frequency of 1.2e-05 in 251274 control chromosomes. The available data on variant occurrences in the general population are insufficient to allow any conclusion about variant significance. To our knowledge, no occurrence of c.8360G>C in individuals affected with Neurofibromatosis Type 1 and no experimental evidence demonstrating its impact on protein function have been reported. ClinVar contains an entry for this variant (Variation ID: 952528). Based on the evidence outlined above, the variant was classified as uncertain significance.

Ambry Genetics
Classification: Benign for Cardiovascular phenotype; Hereditary cancer-predisposing syndrome. Last evaluated: 2024-10-05. Review status: criteria provided, single submitter. Criteria: Ambry Variant Classification Scheme 2023. Collection method: clinical testing. Allele origin: germline.